The following is an entry in ClinVar:

ClinVar aggregate classification (germline): Uncertain significance (1 of 4 stars; one submission).

Conditions:
Rhabdoid tumor predisposition syndrome 2 (RTPS2). Identifiers: Orphanet 231108, Orphanet 69077, MedGen C2750074, MONDO:0013224, OMIM 613325.

Submission:

Labcorp Genetics (formerly Invitae), Labcorp
Classification: Uncertain significance for Rhabdoid tumor predisposition syndrome 2. Last evaluated: 2021-08-31. Review status: criteria provided, single submitter. Criteria: Invitae Variant Classification Sherloc (09022015). Collection method: clinical testing. Allele origin: germline.
Comment: In summary, the available evidence is currently insufficient to determine the role of this variant in disease. Therefore, it has been classified as a Variant of Uncertain Significance. Algorithms developed to predict the effect of missense changes on protein structure and function (SIFT, PolyPhen-2, Align-GVGD) all suggest that this variant is likely to be disruptive. This variant has not been reported in the literature in individuals affected with SMARCA4-related conditions. This variant is not present in population databases (ExAC no frequency). This sequence change replaces proline with leucine at codon 133 of the SMARCA4 protein (p.Pro133Leu). The proline residue is highly conserved and there is a moderate physicochemical difference between proline and leucine.

NM_003072.5(SMARCA4):c.398C>T (p.Pro133Leu)

Gene: SMARCA4 (SWI/SNF related BAF chromatin remodeling complex subunit ATPase 4; plus strand). Cytogenetic location: 19p13.2.
Variant type: single nucleotide variant.
Coding change: c.398C>T on transcript NM_003072.5 (MANE Select); coding-DNA position 398, C replaced by T.
Protein change: p.Pro133Leu; replaces proline 133 with leucine.
Molecular consequence: missense variant. On other transcripts: non-coding transcript variant (1).
Genome position (GRCh38, 1-based): chr19:10,986,231, C>T. VCF-style: chr19-10986231-C-T. GRCh37 (hg19) VCF-style: chr19-11096907-C-T.
Other names: c.398C>T, p.Pro133Leu (NM_001128844.3, NM_001128845.2, NM_001128846.2 and 5 more transcripts); short protein forms P133L.
Identifiers: ClinVar variation 1515618 (VCV001515618.6), dbSNP rs2145772612, ClinGen allele CA404055783.